The following is an entry in ClinVar:

NM_002109.6(HARS1):c.637G>A (p.Asp213Asn)

Gene: HARS1 (histidyl-tRNA synthetase 1; minus strand). Cytogenetic location: 5q31.3.
Variant type: single nucleotide variant.
Coding change: c.637G>A on transcript NM_002109.6 (MANE Select); coding-DNA position 637, G replaced by A.
Protein change: p.Asp213Asn; replaces aspartic acid 213 with asparagine.
Molecular consequence: missense variant.
Genome position (GRCh38, 1-based): chr5:140,677,747, C>T on the plus strand (G>A on the coding strand, the complement: HARS1 is on the minus strand). VCF-style: chr5-140677747-C-T. GRCh37 (hg19) VCF-style: chr5-140057332-C-T.
Other names: c.517G>A, p.Asp173Asn (NM_001258040.3); c.577G>A, p.Asp193Asn (NM_001258041.3); c.457G>A, p.Asp153Asn (NM_001258042.3); c.415G>A, p.Asp139Asn (NM_001289092.2); c.295G>A, p.Asp99Asn (NM_001289093.2); c.550G>A, p.Asp184Asn (NM_001289094.2); short protein forms D153N, D193N, D173N, D213N, D139N, D99N, D184N.
Identifiers: ClinVar variation 1044076 (VCV001044076.8), dbSNP rs759634200, ClinGen allele CA3444031.
Genomic context (GRCh38, chr5:140,677,747, plus strand): 5'-TACGGAACTTGCTGTCAGAAACACCACAGATAGCAAACATCCCATCTAGAATGCGTCGAT[C>T]GTTTACCTGCAAGGAACCAATGCATAGTGAGGGGGGAATCTCTTTTCTTACATGACCTGC-3'
Protein context (NP_002100.2, residues 203-223): QIGDFLVKVN[Asp213Asn]RRILDGMFAI

ClinVar aggregate classification (germline): Uncertain significance (1 of 4 stars; one submission).

Conditions:
Usher syndrome type 3B. Also called: USHER SYNDROME, TYPE IIIB. Identifiers: MedGen C3281066, MONDO:0013788, OMIM 614504.

Allele frequency attached by ClinVar (database versions not stated): gnomAD exomes 0.00001 and 0.00002; ExAC 0.00002; gnomAD 0.00002 and 0.00003; TOPMed 0.00003.
gnomAD v4.1: 18 of 1,607,008 alleles (0.0011%); highest among the groups gnomAD compares: Middle Eastern, 0.05%; no homozygotes.

Submission:

Labcorp Genetics (formerly Invitae), Labcorp
Classification: Uncertain significance for Usher syndrome type 3B. Last evaluated: 2021-08-31. Review status: criteria provided, single submitter. Criteria: Invitae Variant Classification Sherloc (09022015). Collection method: clinical testing. Allele origin: germline.
Comment: This sequence change replaces aspartic acid with asparagine at codon 213 of the HARS protein (p.Asp213Asn). The aspartic acid residue is moderately conserved and there is a small physicochemical difference between aspartic acid and asparagine. This variant is present in population databases (rs759634200, ExAC 0.01%). This variant has not been reported in the literature in individuals with HARS-related conditions. Algorithms developed to predict the effect of missense changes on protein structure and function are either unavailable or do not agree on the potential impact of this missense change (SIFT: "Tolerated"; PolyPhen-2: "Possibly Damaging"; Align-GVGD: "Class C0"). In summary, the available evidence is currently insufficient to determine the role of this variant in disease. Therefore, it has been classified as a Variant of Uncertain Significance.